The following is an entry in ClinVar:

NM_006944.3(SPP2):c.485del (p.Asn162fs)

Gene: SPP2 (secreted phosphoprotein 2; plus strand). Cytogenetic location: 2q37.1.
Variant type: Deletion.
Coding change: c.485del on transcript NM_006944.3 (MANE Select); coding-DNA position 485, one base deleted (A; older notation c.485delA).
Protein change: p.Asn162fs; shifts the reading frame from asparagine 162.
Molecular consequence: frameshift variant.
Genome position (GRCh38, 1-based): chr2:234,066,573, A deleted; the last of 3 consecutive A bases (chr2:234,066,571-234,066,573); deleting any one gives the same sequence. VCF-style (leftmost placement, unchanged base first): chr2-234066570-GA-G. GRCh37 (hg19) VCF-style: chr2-234975214-GA-G.
Other names: short protein forms N162fs.
Identifiers: ClinVar variation 1009414 (VCV001009414.6), dbSNP rs1559176718, ClinGen allele CA540341088.

ClinVar aggregate classification (germline): Uncertain significance (1 of 4 stars; one submission).

Submission:

Labcorp Genetics (formerly Invitae), Labcorp
Classification: Uncertain significance. Last evaluated: 2022-04-17. Review status: criteria provided, single submitter. Criteria: Invitae Variant Classification Sherloc (09022015). Collection method: clinical testing. Allele origin: germline.
Comment: The frequency data for this variant in the population databases is considered unreliable, as metrics indicate poor data quality at this position in the gnomAD database. This sequence change creates a premature translational stop signal (p.Asn162Thrfs*13) in the SPP2 gene. It is expected to result in an absent or disrupted protein product. However, the current clinical and genetic evidence is not sufficient to establish whether loss-of-function variants in SPP2 cause disease. This variant has not been reported in the literature in individuals affected with SPP2-related conditions. ClinVar contains an entry for this variant (Variation ID: 1009414). In summary, the available evidence is currently insufficient to determine the role of this variant in disease. Therefore, it has been classified as a Variant of Uncertain Significance.